The following is an entry in ClinVar:

ClinVar aggregate classification (germline): Uncertain significance (1 of 4 stars; one submission).

Submission:

Ambry Genetics
Classification: Uncertain significance. Last evaluated: 2025-01-19. Review status: criteria provided, single submitter. Criteria: Ambry Variant Classification Scheme 2023. Collection method: clinical testing. Allele origin: germline.
Comment: The p.D617H variant (also known as c.1849G>C), located in coding exon 8 of the WNK2 gene, results from a G to C substitution at nucleotide position 1849. The aspartic acid at codon 617 is replaced by histidine, an amino acid with similar properties. This amino acid position is conserved. In addition, the in silico prediction for this alteration is inconclusive. Based on the available evidence, the clinical significance of this variant remains unclear.

NM_006648.4(WNK2):c.1849G>C (p.Asp617His)

Gene: WNK2 (WNK lysine deficient protein kinase 2; plus strand). Cytogenetic location: 9q22.31.
Variant type: single nucleotide variant.
Coding change: c.1849G>C on transcript NM_006648.4 (MANE Select); coding-DNA position 1849, G replaced by C.
Protein change: p.Asp617His; replaces aspartic acid 617 with histidine.
Molecular consequence: missense variant.
Genome position (GRCh38, 1-based): chr9:93,252,897, G>C. VCF-style: chr9-93252897-G-C. GRCh37 (hg19) VCF-style: chr9-96015179-G-C.
Other names: c.1849G>C, p.Asp617His (NM_001282394.3); short protein forms D617H.
Identifiers: ClinVar variation 3816879 (VCV003816879.1).